The following is an entry in ClinVar:

NM_024675.4(PALB2):c.1305C>T (p.Val435=)

Gene: PALB2 (partner and localizer of BRCA2; minus strand). Cytogenetic location: 16p12.2.
Variant type: single nucleotide variant.
Coding change: c.1305C>T on transcript NM_024675.4 (MANE Select); coding-DNA position 1305, C replaced by T.
Protein change: p.Val435=; no amino-acid change (valine 435 retained).
Molecular consequence: synonymous variant.
Genome position (GRCh38, 1-based): chr16:23,635,241, G>A on the plus strand (C>T on the coding strand, the complement: PALB2 is on the minus strand). VCF-style: chr16-23635241-G-A. GRCh37 (hg19) VCF-style: chr16-23646562-G-A.
Identifiers: ClinVar variation 765766 (VCV000765766.14), dbSNP rs1597096444, ClinGen allele CA494461556.

ClinVar aggregate classification (germline): Benign/Likely benign. Review status: criteria provided, multiple submitters, no conflicts (2 of 4 stars). 3 submissions from 3 submitters: Benign (1); Likely benign (2). Last evaluated 2025-05-05.

Conditions:
Hereditary cancer-predisposing syndrome. Also called: Tumor predisposition; Neoplastic Syndromes, Hereditary; Hereditary Cancer Syndrome; Hereditary neoplastic syndrome. Identifiers: Orphanet 140162, MedGen C0027672, MeSH D009386, MONDO:0015356.
Familial cancer of breast. Also called: BREAST CANCER, FAMILIAL; hereditary breast carcinoma; Hereditary breast cancer. Identifiers: Orphanet 227535, MedGen C0346153, MONDO:0016419, OMIM 114480. Disease mechanism: loss of function.

Submissions (3):

Labcorp Genetics (formerly Invitae), Labcorp
Classification: Likely benign for Familial cancer of breast. Last evaluated: 2025-05-05. Review status: criteria provided, single submitter. Criteria: Invitae Variant Classification Sherloc (09022015). Collection method: clinical testing. Allele origin: germline.

Myriad Genetics, Inc.
Classification: Benign for Familial cancer of breast. Last evaluated: 2025-01-13. Review status: criteria provided, single submitter. Criteria: Myriad Autosomal Dominant, Autosomal Recessive and X-Linked Classification Criteria (2023). Collection method: clinical testing. Allele origin: unknown.
Comment: This variant is considered benign. This variant is a silent/synonymous amino acid change and it is not expected to impact splicing.

Ambry Genetics
Classification: Likely benign for Hereditary cancer-predisposing syndrome. Last evaluated: 2017-11-08. Review status: criteria provided, single submitter. Criteria: Ambry Variant Classification Scheme 2023. Collection method: clinical testing. Allele origin: germline.